The following is an entry in ClinVar:

NM_001347721.2(DYRK1A):c.1971G>A (p.Ser657=)

Gene: DYRK1A (dual specificity tyrosine phosphorylation regulated kinase 1A; plus strand). Cytogenetic location: 21q22.13.
Variant type: single nucleotide variant.
Coding change: c.1971G>A on transcript NM_001347721.2 (MANE Select); coding-DNA position 1971, G replaced by A.
Protein change: p.Ser657=; no amino-acid change (serine 657 retained).
Molecular consequence: synonymous variant. On other transcripts: 3 prime UTR variant (2).
Genome position (GRCh38, 1-based): chr21:37,512,237, G>A. VCF-style: chr21-37512237-G-A. GRCh37 (hg19) VCF-style: chr21-38884540-G-A.
Other names: c.1971G>A, p.Ser657= (NM_001347722.2, NM_130436.2); c.1884G>A, p.Ser628= (NM_001347723.2); c.1998G>A, p.Ser666= (NM_001396.5); c.*374G>A (NM_101395.2); c.*283G>A (NM_130438.2).
Identifiers: ClinVar variation 1013464 (VCV001013464.46), dbSNP rs755724183, ClinGen allele CA10024144.
Genomic context (GRCh38, chr21:37,512,237, plus strand): 5'-GGAGGTTGGCCACAGTCACCACTCCATGACATCCCTGTCTTCCTCAACGACTTCTTCCTC[G>A]ACATCTTCCTCCTCTACTGGTAACCAAGGCAATCAGGCCTACCAGAATCGCCCAGTGGCT-3'
Protein context (NP_001334650.1, residues 647-667): TSLSSSTTSS[Ser657=]TSSSSTGNQG

ClinVar aggregate classification (germline): Likely benign. Review status: criteria provided, multiple submitters, no conflicts (2 of 4 stars). 2 submissions from 2 submitters: Likely benign (2). Last evaluated 2025-02-04.

Conditions:
DYRK1A-related intellectual disability syndrome (MRD7). Also called: DYRK1A Syndrome; Intellectual developmental disorder, autosomal dominant 7. Identifiers: Orphanet 464306, MedGen C5568143, MONDO:0013578, OMIM 614104.

Allele frequency attached by ClinVar (database versions not stated): gnomAD 0.00002 and 0.00003; TOPMed 0.00002.
gnomAD v4.1: 12 of 1,614,114 alleles (0.00074%); highest among the groups gnomAD compares: African/African-American, 0.004%; no homozygotes.

Submissions (2):

Labcorp Genetics (formerly Invitae), Labcorp
Classification: Likely benign for DYRK1A-related intellectual disability syndrome. Last evaluated: 2025-02-04. Review status: criteria provided, single submitter. Criteria: Invitae Variant Classification Sherloc (09022015). Collection method: clinical testing. Allele origin: germline.

CeGaT Center for Human Genetics Tuebingen
Classification: Likely benign. Last evaluated: 2022-09-01. Review status: criteria provided, single submitter. Criteria: CeGaT Center For Human Genetics Tuebingen Variant Classification Criteria Version 2. Collection method: clinical testing. Allele origin: germline. Affected: yes. Observed: 2 variant alleles.
Comment: DYRK1A: BP4, BP7